The following is an entry in ClinVar:

NM_152594.3(SPRED1):c.207+2804T>G

Gene: SPRED1 (sprouty related EVH1 domain containing 1; plus strand). Cytogenetic location: 15q14.
Variant type: single nucleotide variant.
Coding change: c.207+2804T>G on transcript NM_152594.3 (MANE Select); 2804 bases into the intron after coding-DNA position 207, T replaced by G.
Molecular consequence: intron variant.
Genome position (GRCh38, 1-based): chr15:38,302,351, T>G. VCF-style: chr15-38302351-T-G. GRCh37 (hg19) VCF-style: chr15-38594552-T-G.
Identifiers: ClinVar variation 3765697 (VCV003765697.1).

ClinVar aggregate classification (germline): Uncertain significance (1 of 4 stars; one submission).

gnomAD v4.1: 2 of 152,192 alleles (0.0013%); highest among the groups gnomAD compares: African/African-American, 0.0048%; no homozygotes.

Submission:

Greenwood Genetic Center Diagnostic Laboratories, Greenwood Genetic Center
Classification: Uncertain significance. Last evaluated: 2024-10-04. Review status: criteria provided, single submitter. Criteria: ACMG Guidelines, 2015. Collection method: clinical testing. Allele origin: germline. Affected: yes.
Comment: PM2, BP4